The following is an entry in ClinVar:

NM_000760.4(CSF3R):c.801G>C (p.Glu267Asp)

Gene: CSF3R (colony stimulating factor 3 receptor; minus strand). Cytogenetic location: 1p34.3.
Variant type: single nucleotide variant.
Coding change: c.801G>C on transcript NM_000760.4 (MANE Select); coding-DNA position 801, G replaced by C.
Protein change: p.Glu267Asp; replaces glutamic acid 267 with aspartic acid.
Molecular consequence: missense variant.
Genome position (GRCh38, 1-based): chr1:36,472,559, C>G on the plus strand (G>C on the coding strand, the complement: CSF3R is on the minus strand). VCF-style: chr1-36472559-C-G. GRCh37 (hg19) VCF-style: chr1-36938160-C-G.
Other names: c.801G>C, p.Glu267Asp (NM_156039.3, NM_172313.3); short protein forms E267D.
Identifiers: ClinVar variation 841692 (VCV000841692.12), dbSNP rs141083013, ClinGen allele CA769385.
Genomic context (GRCh38, chr1:36,472,559, plus strand): 5'-GGTTGCCCTCTGCCTCACCAGTGCCCAGCTGGCTTCTCCACGCTGCGGCTTGTGGCGCAG[C>G]TCACACTTCTGATTTATGTGCAGGCCTGGCTGCCATGGCTCCCAGCACAGCTGTAGGCAG-3'
Protein context (NP_000751.1, residues 257-277): QPGLHINQKC[Glu267Asp]LRHKPQRGEA

ClinVar aggregate classification (germline): Uncertain significance. Review status: criteria provided, multiple submitters, no conflicts (2 of 4 stars). 3 submissions from 3 submitters: Uncertain significance (3). Last evaluated 2026-04-25.

Conditions:
CSF3R-related disorder. Also called: CSF3R-related condition.
Autosomal recessive severe congenital neutropenia due to CSF3R deficiency. Also called: Neutropenia, severe congenital, 7, autosomal recessive. Identifiers: Orphanet 420702, MedGen C4310764, MONDO:0014865, OMIM 617014.
Inborn genetic diseases. Identifiers: MedGen C0950123, MeSH D030342.

Allele frequency attached by ClinVar (database versions not stated): gnomAD 0.00002 and 0.00003; gnomAD exomes 0.00002 and 0.00004; TOPMed 0.00002; ExAC 0.00005; ESP Exome Variant Server 0.00008.
gnomAD v4.1: 32 of 1,614,106 alleles (0.002%); highest among the groups gnomAD compares: Non-Finnish European, 0.0023%; no homozygotes.

Submissions (3):

PreventionGenetics, part of Exact Sciences
Classification: Uncertain significance for CSF3R-related condition. Last evaluated: 2026-04-25. Review status: criteria provided, single submitter. Criteria: ACMG Guidelines, 2015. Collection method: clinical testing. Allele origin: germline.
Comment: The CSF3R c.801G>C variant is predicted to result in the amino acid substitution p.Glu267Asp. To our knowledge, this variant has not been reported in the literature. This variant is reported in 0.010% of alleles in individuals of European (Non-Finnish) descent in gnomAD and is interpreted as uncertain in ClinVar (Variation ID: 841692). At this time, the clinical significance of this variant is uncertain due to the absence of conclusive functional and genetic evidence.

Ambry Genetics
Classification: Uncertain significance for Inborn genetic diseases. Last evaluated: 2025-08-04. Review status: criteria provided, single submitter. Criteria: Ambry Variant Classification Scheme 2023. Collection method: clinical testing. Allele origin: germline.

Labcorp Genetics (formerly Invitae), Labcorp
Classification: Uncertain significance for Autosomal recessive severe congenital neutropenia due to CSF3R deficiency. Last evaluated: 2025-06-22. Review status: criteria provided, single submitter. Criteria: Invitae Variant Classification Sherloc (09022015). Collection method: clinical testing. Allele origin: germline.
Comment: This sequence change replaces glutamic acid, which is acidic and polar, with aspartic acid, which is acidic and polar, at codon 267 of the CSF3R protein (p.Glu267Asp). This variant is present in population databases (rs141083013, gnomAD 0.01%). This variant has not been reported in the literature in individuals affected with CSF3R-related conditions. ClinVar contains an entry for this variant (Variation ID: 841692). Invitae Evidence Modeling of protein sequence and biophysical properties (such as structural, functional, and spatial information, amino acid conservation, physicochemical variation, residue mobility, and thermodynamic stability) indicates that this missense variant is not expected to disrupt CSF3R protein function with a negative predictive value of 80%. In summary, the available evidence is currently insufficient to determine the role of this variant in disease. Therefore, it has been classified as a Variant of Uncertain Significance.